The following is an entry in ClinVar:

ClinVar aggregate classification (germline): Uncertain significance (1 of 4 stars; one submission).

Submission:

Ambry Genetics
Classification: Uncertain significance. Last evaluated: 2023-03-10. Review status: criteria provided, single submitter. Criteria: Ambry Variant Classification Scheme 2023. Collection method: clinical testing. Allele origin: germline.
Comment: The p.N75Y variant (also known as c.223A>T), located in coding exon 3 of the KIF1B gene, results from an A to T substitution at nucleotide position 223. The asparagine at codon 75 is replaced by tyrosine, an amino acid with dissimilar properties. This amino acid position is well conserved in available vertebrate species. In addition, this alteration is predicted to be deleterious by in silico analysis. The evidence for this gene-disease relationship is limited; therefore, the clinical significance of this alteration is unclear.

NM_001365951.3(KIF1B):c.223A>T (p.Asn75Tyr)

Gene: KIF1B (kinesin family member 1B; plus strand). Cytogenetic location: 1p36.22.
Variant type: single nucleotide variant.
Coding change: c.223A>T on transcript NM_001365951.3 (MANE Select); coding-DNA position 223, A replaced by T.
Protein change: p.Asn75Tyr; replaces asparagine 75 with tyrosine.
Molecular consequence: missense variant.
Genome position (GRCh38, 1-based): chr1:10,258,532, A>T. VCF-style: chr1-10258532-A-T. GRCh37 (hg19) VCF-style: chr1-10318590-A-T.
Other names: c.223A>T, p.Asn75Tyr (NM_001365952.1, NM_001365953.1, NM_015074.3 and 1 more transcripts); short protein forms N75Y.
Identifiers: ClinVar variation 2448791 (VCV002448791.2), dbSNP rs142105756, ClinGen allele CA338324841.
Genomic context (GRCh38, chr1:10,258,532, plus strand): 5'-TTCTCCTTTTACTCTTTACAGCCCGAAGATCCCTGTTTTGCATCTCAAAACCGTGTGTAC[A>T]ATGACATTGGCAAGGAAATGCTCTTACACGCCTTTGAGGGATATAATGTCTGTATTTTTG-3'
Protein context (NP_001352880.1, residues 65-85): PCFASQNRVY[Asn75Tyr]DIGKEMLLHA